The following is an entry in ClinVar:

ClinVar aggregate classification (germline): Likely benign. Review status: criteria provided, multiple submitters, no conflicts (2 of 4 stars). 4 submissions from 4 submitters: Likely benign (4). Last evaluated 2026-05-19.

Conditions:
Dilated cardiomyopathy 1W (CMD1W). Identifiers: Orphanet 154, MedGen C1969639, MONDO:0012667, OMIM 611407.
VCL-related disorder. Also called: VCL-related condition.
Cardiovascular phenotype. Identifiers: MedGen CN230736.

Allele frequency attached by ClinVar (database versions not stated): TOPMed 0.00002; gnomAD 0.00003; ESP Exome Variant Server 0.00008.
gnomAD v4.1: 42 of 1,613,900 alleles (0.0026%); highest among the groups gnomAD compares: Non-Finnish European, 0.0034%; no homozygotes.

Submissions (4):

PreventionGenetics, part of Exact Sciences
Classification: Likely benign for VCL-related condition. Last evaluated: 2026-05-19. Review status: criteria provided, single submitter. Criteria: ACMG Guidelines, 2015. Collection method: clinical testing. Allele origin: germline.
Comment: This variant is classified as likely benign based on ACMG/AMP sequence variant interpretation guidelines (Richards et al. 2015 PMID: 25741868, with internal and published modifications).

Labcorp Genetics (formerly Invitae), Labcorp
Classification: Likely benign for Dilated cardiomyopathy 1W. Last evaluated: 2026-01-17. Review status: criteria provided, single submitter. Criteria: Invitae Variant Classification Sherloc (09022015). Collection method: clinical testing. Allele origin: germline.

Women's Health and Genetics/Laboratory Corporation of America, LabCorp
Classification: Likely benign. Last evaluated: 2025-12-19. Review status: criteria provided, single submitter. Criteria: LabCorp Variant Classification Summary - May 2015. Collection method: clinical testing. Allele origin: germline.

Ambry Genetics
Classification: Likely benign for Cardiovascular phenotype. Last evaluated: 2021-10-19. Review status: criteria provided, single submitter. Criteria: Ambry Variant Classification Scheme 2023. Collection method: clinical testing. Allele origin: germline.

NM_014000.3(VCL):c.1041G>C (p.Pro347=)

Gene: VCL (vinculin; plus strand). Cytogenetic location: 10q22.2.
Variant type: single nucleotide variant.
Coding change: c.1041G>C on transcript NM_014000.3 (MANE Select); coding-DNA position 1041, G replaced by C.
Protein change: p.Pro347=; no amino-acid change (proline 347 retained).
Molecular consequence: synonymous variant.
Genome position (GRCh38, 1-based): chr10:74,089,214, G>C. VCF-style: chr10-74089214-G-C. GRCh37 (hg19) VCF-style: chr10-75848972-G-C.
Other names: c.1041G>C, p.Pro347= (NM_003373.4).
Identifiers: ClinVar variation 699928 (VCV000699928.14), dbSNP rs373079313, ClinGen allele CA5562920.